The following is an entry in ClinVar:

NC_000011.10:g.(?_2583415)_(2588874_?)del

Gene: KCNQ1 (potassium voltage-gated channel subfamily Q member 1; plus strand). Cytogenetic location: 11p15.5.
Variant type: Deletion.
Identifiers: ClinVar variation 583950 (VCV000583950.2).

ClinVar aggregate classification (germline): Pathogenic (1 of 4 stars; one submission).

Conditions:
Long QT syndrome (LQTS). Identifiers: MedGen C0023976, MeSH D008133, MONDO:0002442. Disease mechanism: loss of function. Inheritance: Various modes of inheritance.

Submission:

Labcorp Genetics (formerly Invitae), Labcorp
Classification: Pathogenic for Long QT syndrome. Last evaluated: 2022-10-26. Review status: criteria provided, single submitter. Criteria: Invitae Variant Classification Sherloc (09022015). Collection method: clinical testing. Allele origin: germline.
Comment: This variant is a gross deletion of the genomic region encompassing exon(s) 7-10 of the KCNQ1 gene. This deletion is out-of-frame, and is expected to create a premature termination codon and result in an absent or disrupted protein product. Loss-of-function variants in KCNQ1 are known to be pathogenic (PMID: 9323054, 19862833). A similar copy number variant has been observed in individual(s) with Jervell and Lange-Nielsen Syndrome and/or Long QT syndrome (PMID: 22382802, 25187895). For these reasons, this variant has been classified as Pathogenic.

Literature cited by the submitters: PubMed 9323054; PubMed 19862833; PubMed 22382802; PubMed 25187895.